The following is an entry in ClinVar:

NM_006915.3(RP2):c.353G>C (p.Arg118Pro)

Gene: RP2 (RP2 activator of ARL3 GTPase; plus strand). Cytogenetic location: Xp11.3.
Variant type: single nucleotide variant.
Coding change: c.353G>C on transcript NM_006915.3 (MANE Select); coding-DNA position 353, G replaced by C.
Protein change: p.Arg118Pro; replaces arginine 118 with proline.
Molecular consequence: missense variant.
Genome position (GRCh38, 1-based): chrX:46,853,726, G>C. VCF-style: chrX-46853726-G-C. GRCh37 (hg19) VCF-style: chrX-46713161-G-C.
Other names: short protein forms R118P.
Identifiers: ClinVar variation 1046617 (VCV001046617.8), dbSNP rs28933687, ClinGen allele CA413039373.

ClinVar aggregate classification (germline): Uncertain significance (1 of 4 stars; one submission).

Submission:

Labcorp Genetics (formerly Invitae), Labcorp
Classification: Uncertain significance. Last evaluated: 2021-02-23. Review status: criteria provided, single submitter. Criteria: Invitae Variant Classification Sherloc (09022015). Collection method: clinical testing. Allele origin: germline.
Comment: This variant disrupts the p.Arg118 amino acid residue in RP2. Other variant(s) that disrupt this residue have been determined to be pathogenic (PMID: 10520237, 20021257, 21738648, 22072390). This suggests that this residue is clinically significant, and that variants that disrupt this residue are likely to be disease-causing. Algorithms developed to predict the effect of missense changes on protein structure and function (SIFT, PolyPhen-2, Align-GVGD) all suggest that this variant is likely to be disruptive, but these predictions have not been confirmed by published functional studies and their clinical significance is uncertain. This variant has been observed in individual(s) with retinitis pigmentosa (Invitae). This variant is not present in population databases (ExAC no frequency). This sequence change replaces arginine with proline at codon 118 of the RP2 protein (p.Arg118Pro). The arginine residue is highly conserved and there is a moderate physicochemical difference between arginine and proline. In summary, the available evidence is currently insufficient to determine the role of this variant in disease. Therefore, it has been classified as a Variant of Uncertain Significance.

Literature cited by the submitters: PubMed 10520237; PubMed 20021257; PubMed 21738648; PubMed 22072390.